The following is an entry in ClinVar:

ClinVar aggregate classification (germline): Pathogenic (1 of 4 stars; one submission).

Submission:

Labcorp Genetics (formerly Invitae), Labcorp
Classification: Pathogenic. Last evaluated: 2025-06-12. Review status: criteria provided, single submitter. Criteria: Invitae Variant Classification Sherloc (09022015). Collection method: clinical testing. Allele origin: germline.
Comment: This sequence change creates a premature translational stop signal (p.Asn1101Lysfs*26) in the ADCY10 gene. It is expected to result in an absent or disrupted protein product. Loss-of-function variants in ADCY10 are known to be pathogenic (PMID: 31119281). This variant is not present in population databases (gnomAD no frequency). This variant has not been reported in the literature in individuals affected with ADCY10-related conditions. ClinVar contains an entry for this variant (Variation ID: 2705159). For these reasons, this variant has been classified as Pathogenic.

Literature cited by the submitters: PubMed 31119281.

NM_018417.6(ADCY10):c.3193_3302dup (p.Asn1101delinsLysArgLeuSerSerCysLeuTrpProThrIlePheTrpLeuTrpGluLysMetThrLysProTyrIleThrSerTer)

Gene: ADCY10 (adenylate cyclase 10; minus strand). Cytogenetic location: 1q24.2.
Variant type: Duplication.
Coding change: c.3193_3302dup on transcript NM_018417.6 (MANE Select); coding-DNA positions 3193 to 3302, 110 bases duplicated.
Protein change: p.Asn1101delinsLysArgLeuSerSerCysLeuTrpProThrIlePheTrpLeuTrpGluLysMetThrLysProTyrIleThrSerTer.
Molecular consequence: nonsense.
Genome position (GRCh38, 1-based): chr1:167,836,316-167,836,425, 110 bases duplicated. GRCh37 (hg19): chr1:167,805,555-167,805,664.
Other names: c.2734_2843dup, p.Asn948delinsLysArgLeuSerSerCysLeuTrpProThrIlePheTrpLeuTrpGluLysMetThrLysProTyrIleThrSerTer (NM_001167749.3); c.2917_3026dup, p.Asn1009delinsLysArgLeuSerSerCysLeuTrpProThrIlePheTrpLeuTrpGluLysMetThrLysProTyrIleThrSerTer (NM_001297772.2).
Identifiers: ClinVar variation 2705159 (VCV002705159.3), dbSNP rs2525073526, ClinGen allele CA2648977549.